The following is an entry in ClinVar:

ClinVar aggregate classification (germline): Benign (1 of 4 stars; one submission).

Conditions:
Pheochromocytoma/paraganglioma syndrome 4. Also called: CAROTID BODY TUMORS AND MULTIPLE EXTRAADRENAL PHEOCHROMOCYTOMAS; PARAGANGLIOMA, FAMILIAL MALIGNANT; PARAGANGLIOMAS, HEREDITARY EXTRAADRENAL; PHEOCHROMOCYTOMA, FAMILIAL EXTRAADRENAL; Paragangliomas 4; SDHB-Related Hereditary Paraganglioma-Pheochromocytoma Syndrome (Paragangliomas 4). Identifiers: Orphanet 29072, MedGen C1861848, MONDO:0007273, OMIM 115310.

Submission:

Myriad Genetics, Inc.
Classification: Benign for Pheochromocytoma/paraganglioma syndrome 4. Last evaluated: 2025-03-13. Review status: criteria provided, single submitter. Criteria: Myriad Autosomal Dominant, Autosomal Recessive and X-Linked Classification Criteria (2023). Collection method: clinical testing. Allele origin: unknown.
Comment: This variant is considered benign. This variant is intronic and is not expected to impact mRNA splicing.

NM_003000.3(SDHB):c.766-22_766-19del

Genes: SDHB (succinate dehydrogenase complex iron sulfur subunit B; minus strand), LOC129929541 (ATAC-STARR-seq lymphoblastoid active region 276; plus strand). Cytogenetic location: 1p36.13.
Variant type: Deletion.
Coding change: c.766-22_766-19del on transcript NM_003000.3 (MANE Select); 22 bases into the intron before coding-DNA position 766 through 19 bases into the intron before coding-DNA position 766, 4 bases deleted (GATT; older notation c.766-22_766-19delGATT).
Molecular consequence: intron variant.
Genome position (GRCh38, 1-based): chr1:17,018,977-17,018,980, AATC deleted on the plus strand (GATT on the coding strand, the reverse complement: SDHB is on the minus strand); deleting any 4 consecutive bases within chr1:17,018,977-17,018,983 gives the same sequence; the c. name uses the placement nearest the transcript's 3' end. VCF-style (leftmost placement, unchanged base first): chr1-17018976-GAATC-G. GRCh37 (hg19) VCF-style: chr1-17345471-GAATC-G.
Other names: c.712-22_712-19del (NM_001407361.1).
Identifiers: ClinVar variation 3904606 (VCV003904606.1).